The following is an entry in ClinVar:

NM_000257.4(MYH7):c.4176G>A (p.Lys1392=)

Gene: MYH7 (myosin heavy chain 7; minus strand). Cytogenetic location: 14q11.2.
Variant type: single nucleotide variant.
Coding change: c.4176G>A on transcript NM_000257.4 (MANE Select); coding-DNA position 4176, G replaced by A.
Protein change: p.Lys1392=; no amino-acid change (lysine 1392 retained).
Molecular consequence: synonymous variant.
Genome position (GRCh38, 1-based): chr14:23,417,680, C>T on the plus strand (G>A on the coding strand, the complement: MYH7 is on the minus strand). VCF-style: chr14-23417680-C-T. GRCh37 (hg19) VCF-style: chr14-23886889-C-T.
Other names: c.4176G>A, p.Lys1392= (NM_001407004.1).
Identifiers: ClinVar variation 4860590 (VCV004860590.1).

ClinVar aggregate classification (germline): Uncertain significance (1 of 4 stars; one submission).

Conditions:
Cardiovascular phenotype. Identifiers: MedGen CN230736.

Submission:

Ambry Genetics
Classification: Uncertain significance for Cardiovascular phenotype. Last evaluated: 2026-04-30. Review status: criteria provided, single submitter. Criteria: Ambry Variant Classification Scheme 2023. Collection method: clinical testing. Allele origin: germline.
Comment: The c.4176G>A variant (also known as p.K1392K), located in coding exon 29 of the MYH7 gene, results from a G to A substitution at nucleotide position 4176. This nucleotide substitution does not change the amino acid at codon 1392. This nucleotide position is highly conserved in available vertebrate species. In silico splice site analysis for this alteration is inconclusive. Based on the available evidence, the clinical significance of this variant remains unclear.